The following is an entry in ClinVar:

NM_003905.4(NAE1):c.1227G>A (p.Lys409=)

Gene: NAE1 (NEDD8 activating enzyme E1 subunit 1; minus strand). Cytogenetic location: 16q22.1.
Variant type: single nucleotide variant.
Coding change: c.1227G>A on transcript NM_003905.4 (MANE Select); coding-DNA position 1227, G replaced by A.
Protein change: p.Lys409=; no amino-acid change (lysine 409 retained).
Molecular consequence: synonymous variant.
Genome position (GRCh38, 1-based): chr16:66,808,999, C>T on the plus strand (G>A on the coding strand, the complement: NAE1 is on the minus strand). VCF-style: chr16-66808999-C-T. GRCh37 (hg19) VCF-style: chr16-66842902-C-T.
Other names: c.1209G>A, p.Lys403= (NM_001018159.2); c.960G>A, p.Lys320= (NM_001018160.2); c.1236G>A, p.Lys412= (NM_001286500.2).
Identifiers: ClinVar variation 4083700 (VCV004083700.8).

ClinVar aggregate classification (germline): Likely benign (1 of 4 stars; one submission).

gnomAD v4.1: 3,130 of 1,603,492 alleles (0.2%); highest among the groups gnomAD compares: Non-Finnish European, 0.24%; 4 homozygotes.

Submission:

CeGaT Center for Human Genetics Tuebingen
Classification: Likely benign. Last evaluated: 2025-07-01. Review status: criteria provided, single submitter. Criteria: CeGaT Center For Human Genetics Tuebingen Variant Classification Criteria Version 2. Collection method: clinical testing. Allele origin: germline. Affected: yes. Observed: 1 variant allele.
Comment: NAE1: BP4, BP7